The following is an entry in ClinVar:

NM_003850.3(SUCLA2):c.21C>G (p.Tyr7Ter)

Gene: SUCLA2 (succinate-CoA ligase ADP-forming subunit beta; minus strand). Cytogenetic location: 13q14.2.
Variant type: single nucleotide variant.
Coding change: c.21C>G on transcript NM_003850.3 (MANE Select); coding-DNA position 21, C replaced by G.
Protein change: p.Tyr7Ter; replaces tyrosine 7 with a stop codon.
Molecular consequence: nonsense.
Genome position (GRCh38, 1-based): chr13:48,001,249, G>C on the plus strand (C>G on the coding strand, the complement: SUCLA2 is on the minus strand). VCF-style: chr13-48001249-G-C. GRCh37 (hg19) VCF-style: chr13-48575385-G-C.
Other names: short protein forms Y7*.
Identifiers: ClinVar variation 2127356 (VCV002127356.4), dbSNP rs374479008, ClinGen allele CA388155472.

ClinVar aggregate classification (germline): Pathogenic (1 of 4 stars; one submission).

Conditions:
Mitochondrial DNA depletion syndrome, encephalomyopathic form with methylmalonic aciduria (MTDPS5). Also called: SUCLA2-Related Mitochondrial DNA Depletion Syndrome, Encephalomyopathic Form with Methylmalonic Aciduria; Mitochondrial encephalomyopathy aminoacidopathy; MITOCHONDRIAL DNA DEPLETION SYNDROME, ENCEPHALOMYOPATHIC FORM, WITH OR WITHOUT METHYLMALONIC ACIDURIA, AUTOSOMAL RECESSIVE, SUCLA2-RELATED; Mitochondrial DNA depletion syndrome 5 (encephalomyopathic with or without methylmalonic aciduria). Identifiers: Orphanet 1933, MedGen C5980207, MONDO:0012791, OMIM 612073.

Submission:

Labcorp Genetics (formerly Invitae), Labcorp
Classification: Pathogenic for Mitochondrial DNA depletion syndrome, encephalomyopathic form with methylmalonic aciduria. Last evaluated: 2023-08-04. Review status: criteria provided, single submitter. Criteria: Invitae Variant Classification Sherloc (09022015). Collection method: clinical testing. Allele origin: germline.
Comment: ClinVar contains an entry for this variant (Variation ID: 2127356). For these reasons, this variant has been classified as Pathogenic. This variant has not been reported in the literature in individuals affected with SUCLA2-related conditions. This variant is not present in population databases (gnomAD no frequency). This sequence change creates a premature translational stop signal (p.Tyr7*) in the SUCLA2 gene. It is expected to result in an absent or disrupted protein product. Loss-of-function variants in SUCLA2 are known to be pathogenic (PMID: 15877282, 17301081).

Literature cited by the submitters: PubMed 15877282; PubMed 17301081.